The following is an entry in ClinVar:

NM_031407.7(HUWE1):c.12821A>G (p.Asn4274Ser)

Gene: HUWE1 (HECT, UBA and WWE domain containing E3 ubiquitin protein ligase 1; minus strand). Cytogenetic location: Xp11.22.
Variant type: single nucleotide variant.
Coding change: c.12821A>G on transcript NM_031407.7 (MANE Select); coding-DNA position 12821, A replaced by G.
Protein change: p.Asn4274Ser; replaces asparagine 4274 with serine.
Molecular consequence: missense variant.
Genome position (GRCh38, 1-based): chrX:53,534,526, T>C on the plus strand (A>G on the coding strand, the complement: HUWE1 is on the minus strand). VCF-style: chrX-53534526-T-C. GRCh37 (hg19) VCF-style: chrX-53561487-T-C.
Other names: short protein forms N4274S.
Identifiers: ClinVar variation 1216330 (VCV001216330.4), dbSNP rs148067102, ClinGen allele CA329183500.

ClinVar aggregate classification (germline): Uncertain significance (1 of 4 stars; one submission).

Allele frequency attached by ClinVar (database versions not stated): ESP Exome Variant Server 0.00009.
gnomAD v4.1: 3 of 1,205,510 alleles (0.00025%); highest among the groups gnomAD compares: African/African-American, 0.0035%; no homozygotes.

Submission:

GeneDx
Classification: Uncertain significance. Last evaluated: 2025-11-14. Review status: criteria provided, single submitter. Criteria: GeneDx Variant Classification Process June 2021. Collection method: clinical testing. Allele origin: germline. Affected: yes.
Comment: In silico analysis supports that this missense variant does not alter protein structure/function; Not observed at significant frequency in large population cohorts (gnomAD); Has not been previously published as pathogenic or benign to our knowledge